The following is an entry in ClinVar:

NM_001367721.1(CASK):c.1504-2_1504-1del

Gene: CASK (calcium/calmodulin dependent serine protein kinase; minus strand). Cytogenetic location: Xp11.4.
Variant type: Deletion.
Coding change: c.1504-2_1504-1del on transcript NM_001367721.1 (MANE Select); the canonical splice acceptor site of the intron before coding-DNA position 1504, 2 bases deleted (AG; older notation c.1504-2_1504-1delAG).
Molecular consequence: splice acceptor variant.
Genome position (GRCh38, 1-based): chrX:41,569,747-41,569,748, CT deleted on the plus strand (AG on the coding strand, the reverse complement: CASK is on the minus strand). VCF-style (leftmost placement, unchanged base first): chrX-41569746-CCT-C. GRCh37 (hg19) VCF-style: chrX-41428999-CCT-C.
Other names: c.1486-2_1486-1del (NM_001126055.3, NM_001410745.1); c.1504-2_1504-1del (NM_001126054.3, NM_003688.4).
Identifiers: ClinVar variation 4814213 (VCV004814213.1).

ClinVar aggregate classification (germline): Likely pathogenic (1 of 4 stars; one submission).

Conditions:
CASK-related syndromic intellectual disability.

Submission:

Rady Children's Institute for Genomic Medicine, Rady Children's Hospital San Diego
Classification: Likely pathogenic for CASK-related syndromic intellectual disability. Last evaluated: 2025-06-16. Review status: criteria provided, single submitter. Criteria: ACMG Guidelines, 2015. Collection method: clinical testing. Allele origin: germline. Affected: yes.
Comment: This variant affects the canonical splice acceptor site of intron 15 and is therefore predicted to interfere with splicing and result in loss of normal protein function through either protein truncation or nonsense-mediated mRNA decay. The CASK gene is constrained against loss-of-function variation (pLI = 1), and loss-of-function variants have been reported in individuals with CASK-related disorders (HGMD, ClinVar database; PMID: 21954287). This variant has not been previously reported or functionally characterized in the literature to our knowledge. The c.1504-2_1504-1del variant is absent from the latest version of the gnomAD population database and thus is presumed to be rare. Based on the available evidence, c.1504-2_1504-1del is classified as Likely Pathogenic.

Literature cited by the submitters: PubMed 21954287.